The following is an entry in ClinVar:

NM_001042424.3(NSD2):c.643del (p.Asp215fs)

Gene: NSD2 (nuclear receptor binding SET domain protein 2; plus strand). Cytogenetic location: 4p16.3.
Variant type: Deletion.
Coding change: c.643del on transcript NM_001042424.3 (MANE Select); coding-DNA position 643, one base deleted (G; older notation c.643delG).
Protein change: p.Asp215fs; shifts the reading frame from aspartic acid 215.
Molecular consequence: frameshift variant. On other transcripts: 5 prime UTR variant (1), intron variant (1).
Genome position (GRCh38, 1-based): chr4:1,904,261, G deleted. VCF-style (leftmost placement, unchanged base first): chr4-1904260-AG-A. GRCh37 (hg19) VCF-style: chr4-1905987-AG-A.
Other names: c.643del, p.Asp215fs (NM_001440892.1, NM_001440894.1, NM_001440895.1 and 8 more transcripts); c.742del, p.Asp248fs (NM_001440893.1); c.-431del (NM_001440900.1); c.-210+3010del (NM_001440899.1); short protein forms D215fs, D248fs.
Identifiers: ClinVar variation 4538251 (VCV004538251.1).

ClinVar aggregate classification (germline): Pathogenic (1 of 4 stars; one submission).

Conditions:
Rauch-Steindl syndrome (RAUST). Identifiers: Orphanet 659642, MedGen C5562061, MONDO:0859219, OMIM 619695.

Submission:

Greenwood Genetic Center Diagnostic Laboratories, Greenwood Genetic Center
Classification: Pathogenic for Rauch-Steindl syndrome. Last evaluated: 2025-04-01. Review status: criteria provided, single submitter. Criteria: ACMG Guidelines, 2015. Collection method: clinical testing. Allele origin: germline. Affected: yes.
Comment: PVS1, PS3_Moderate, PM2